The following is an entry in ClinVar:

NM_006031.6(PCNT):c.5994+6del

Gene: PCNT (pericentrin; plus strand). Cytogenetic location: 21q22.3.
Variant type: Deletion.
Coding change: c.5994+6del on transcript NM_006031.6 (MANE Select); 6 bases into the intron after coding-DNA position 5994, one base deleted (C; older notation c.5994+6delC).
Molecular consequence: intron variant.
Genome position (GRCh38, 1-based): chr21:46,412,073, C deleted. VCF-style (leftmost placement, unchanged base first): chr21-46412072-GC-G. GRCh37 (hg19) VCF-style: chr21-47831986-GC-G.
Other names: c.5640+6del (NM_001315529.2).
Identifiers: ClinVar variation 3355055 (VCV003355055.1).

ClinVar aggregate classification (germline): Likely benign (0 of 4 stars; one submission).

Conditions:
PCNT-related disorder. Also called: PCNT-related condition.

Submission:

PreventionGenetics, part of Exact Sciences
Classification: Likely benign for PCNT-related condition. Last evaluated: 2021-12-08. Review status: no assertion criteria provided. Collection method: clinical testing. Allele origin: germline.
Comment: This variant is classified as likely benign based on ACMG/AMP sequence variant interpretation guidelines (Richards et al. 2015 PMID: 25741868, with internal and published modifications).